The following is an entry in ClinVar:

ClinVar aggregate classification (germline): Uncertain significance. Review status: criteria provided, multiple submitters, no conflicts (2 of 4 stars). 4 submissions from 4 submitters: Uncertain significance (4). Last evaluated 2024-12-22.

Conditions:
Inborn genetic diseases. Identifiers: MedGen C0950123, MeSH D030342.
Cohen syndrome (COH1). Also called: Cutis verticis gyrata, retinitis pigmentosa, and sensorineural deafness; PEPPER SYNDROME. Identifiers: Orphanet 193, MedGen C0265223, MONDO:0008999, OMIM 216550.
VPS13B-related disorder. Also called: VPS13B-related condition.

Allele frequency attached by ClinVar (database versions not stated): TOPMed below 0.00001; gnomAD exomes 0.00001 and 0.00002; ExAC 0.00002.
gnomAD v4.1: 34 of 1,595,548 alleles (0.0021%); highest among the groups gnomAD compares: Non-Finnish European, 0.0029%; no homozygotes.

Submissions (4):

PreventionGenetics, part of Exact Sciences
Classification: Uncertain significance for VPS13B-related condition. Last evaluated: 2024-12-22. Review status: criteria provided, single submitter. Criteria: ACMG Guidelines, 2015. Collection method: clinical testing. Allele origin: germline.
Comment: The VPS13B c.2797C>G variant is predicted to result in the amino acid substitution p.Gln933Glu. To our knowledge, this variant has not been reported in the literature. This variant is reported in 0.0026% of alleles in individuals of European (Non-Finnish) descent in gnomAD. At this time, the clinical significance of this variant is uncertain due to the absence of conclusive functional and genetic evidence.

Ambry Genetics
Classification: Uncertain significance for Inborn genetic diseases. Last evaluated: 2024-10-06. Review status: criteria provided, single submitter. Criteria: Ambry Variant Classification Scheme 2023. Collection method: clinical testing. Allele origin: germline.

Labcorp Genetics (formerly Invitae), Labcorp
Classification: Uncertain significance for Cohen syndrome. Last evaluated: 2022-05-25. Review status: criteria provided, single submitter. Criteria: Invitae Variant Classification Sherloc (09022015). Collection method: clinical testing. Allele origin: germline.
Comment: This sequence change replaces glutamine, which is neutral and polar, with glutamic acid, which is acidic and polar, at codon 933 of the VPS13B protein (p.Gln933Glu). This variant is present in population databases (rs773412105, gnomAD 0.003%). This variant has not been reported in the literature in individuals affected with VPS13B-related conditions. Algorithms developed to predict the effect of missense changes on protein structure and function are either unavailable or do not agree on the potential impact of this missense change (SIFT: "Not Available"; PolyPhen-2: "Possibly Damaging"; Align-GVGD: "Not Available"). In summary, the available evidence is currently insufficient to determine the role of this variant in disease. Therefore, it has been classified as a Variant of Uncertain Significance.

Department of Pathology and Laboratory Medicine, Sinai Health System
Classification: Uncertain significance for Cohen syndrome. Last evaluated: 2021-09-01. Review status: criteria provided, single submitter. Criteria: ACMG Guidelines, 2015. Collection method: research. Allele origin: germline.

NM_152564.5(VPS13B):c.2797C>G (p.Gln933Glu)

Gene: VPS13B (vacuolar protein sorting 13 homolog B; plus strand). Cytogenetic location: 8q22.2.
Variant type: single nucleotide variant.
Coding change: c.2797C>G on transcript NM_152564.5 (MANE Select); coding-DNA position 2797, C replaced by G.
Protein change: p.Gln933Glu; replaces glutamine 933 with glutamic acid.
Molecular consequence: missense variant.
Genome position (GRCh38, 1-based): chr8:99,275,227, C>G. VCF-style: chr8-99275227-C-G. GRCh37 (hg19) VCF-style: chr8-100287455-C-G.
Other names: c.2797C>G, p.Gln933Glu (NM_017890.5); c.2797C>G (NM_017890.3, NM_152564.4); short protein forms Q933E.
Identifiers: ClinVar variation 1472613 (VCV001472613.8), dbSNP rs773412105, ClinGen allele CA4823020.